The following is an entry in ClinVar:

NM_032447.5(FBN3):c.4147G>A (p.Gly1383Ser)

Gene: FBN3 (fibrillin 3; minus strand). Cytogenetic location: 19p13.2.
Variant type: single nucleotide variant.
Coding change: c.4147G>A on transcript NM_032447.5 (MANE Select); coding-DNA position 4147, G replaced by A.
Protein change: p.Gly1383Ser; replaces glycine 1383 with serine.
Molecular consequence: missense variant.
Genome position (GRCh38, 1-based): chr19:8,111,121, C>T on the plus strand (G>A on the coding strand, the complement: FBN3 is on the minus strand). VCF-style: chr19-8111121-C-T. GRCh37 (hg19) VCF-style: chr19-8176005-C-T.
Other names: c.4147G>A, p.Gly1383Ser (NM_001321431.2); short protein forms G1383S.
Identifiers: ClinVar variation 2726254 (VCV002726254.3), dbSNP rs775601039, ClinGen allele CA9152162.

ClinVar aggregate classification (germline): Uncertain significance (1 of 4 stars; one submission).

Allele frequency attached by ClinVar (database versions not stated): gnomAD 0.00011; gnomAD exomes 0.00002; ExAC 0.00004; TOPMed 0.00015.

Submission:

Labcorp Genetics (formerly Invitae), Labcorp
Classification: Uncertain significance. Last evaluated: 2025-06-12. Review status: criteria provided, single submitter. Criteria: Invitae Variant Classification Sherloc (09022015). Collection method: clinical testing. Allele origin: germline.
Comment: This sequence change replaces glycine, which is neutral and non-polar, with serine, which is neutral and polar, at codon 1383 of the FBN3 protein (p.Gly1383Ser). This variant is present in population databases (rs775601039, gnomAD 0.03%). This variant has not been reported in the literature in individuals affected with FBN3-related conditions. ClinVar contains an entry for this variant (Variation ID: 2726254). Invitae Evidence Modeling of protein sequence and biophysical properties (such as structural, functional, and spatial information, amino acid conservation, physicochemical variation, residue mobility, and thermodynamic stability) indicates that this missense variant is expected to disrupt FBN3 protein function with a positive predictive value of 80%. In summary, the available evidence is currently insufficient to determine the role of this variant in disease. Therefore, it has been classified as a Variant of Uncertain Significance.